The following is an entry in ClinVar:

NM_001365480.1(CCDC88A):c.4304C>T (p.Pro1435Leu)

Gene: CCDC88A (coiled-coil and HOOK domain protein 88A; minus strand). Cytogenetic location: 2p16.1.
Variant type: single nucleotide variant.
Coding change: c.4304C>T on transcript NM_001365480.1 (MANE Select); coding-DNA position 4304, C replaced by T.
Protein change: p.Pro1435Leu; replaces proline 1435 with leucine.
Molecular consequence: missense variant.
Genome position (GRCh38, 1-based): chr2:55,308,892, G>A on the plus strand (C>T on the coding strand, the complement: CCDC88A is on the minus strand). VCF-style: chr2-55308892-G-A. GRCh37 (hg19) VCF-style: chr2-55536028-G-A.
Other names: c.4301C>T, p.Pro1434Leu (NM_001135597.2, NM_001254943.2); c.4304C>T, p.Pro1435Leu (NM_018084.5); short protein forms P1435L, P1434L.
Identifiers: ClinVar variation 4760983 (VCV004760983.1).

ClinVar aggregate classification (germline): Uncertain significance (1 of 4 stars; one submission).

Submission:

Labcorp Genetics (formerly Invitae), Labcorp
Classification: Uncertain significance. Last evaluated: 2025-03-27. Review status: criteria provided, single submitter. Criteria: Invitae Variant Classification Sherloc (09022015). Collection method: clinical testing. Allele origin: germline.
Comment: This sequence change replaces proline, which is neutral and non-polar, with leucine, which is neutral and non-polar, at codon 1434 of the CCDC88A protein (p.Pro1434Leu). This variant is not present in population databases (gnomAD no frequency). This variant has not been reported in the literature in individuals affected with CCDC88A-related conditions. An algorithm developed to predict the effect of missense changes on protein structure and function (PolyPhen-2) suggests that this variant is likely to be disruptive. In summary, the available evidence is currently insufficient to determine the role of this variant in disease. Therefore, it has been classified as a Variant of Uncertain Significance.